The following is an entry in ClinVar:

ClinVar aggregate classification (germline): Conflicting classifications of pathogenicity. Review status: criteria provided, conflicting classifications (1 of 4 stars). 3 submissions from 3 submitters: Uncertain significance (1); Likely benign (2). Last evaluated 2025-04-11.

Conditions:
Epidermolysis bullosa simplex with nail dystrophy (EBS5D). Identifiers: MedGen C4225309, MONDO:0014661, OMIM 616487.
Epidermolysis bullosa simplex 5C, with pyloric atresia (EBS5C). Also called: PLEC-Related Epidermolysis Bullosa with Pyloric Atresia; Epidermolysis bullosa simplex with pyloric atresia; PLEC1-Related Epidermolysis Bullosa with Pyloric Atresia. Identifiers: Orphanet 158684, MedGen C2677349, MONDO:0012807, OMIM 612138.
Autosomal recessive limb-girdle muscular dystrophy type 2Q (LGMDR17). Also called: MUSCULAR DYSTROPHY, LIMB-GIRDLE, AUTOSOMAL RECESSIVE 17. Identifiers: Orphanet 254361, MedGen C3150989, MONDO:0013390, OMIM 613723.
Epidermolysis bullosa simplex 5B, with muscular dystrophy (EBS5B). Also called: EPIDERMOLYSIS BULLOSA SIMPLEX AND LIMB-GIRDLE MUSCULAR DYSTROPHY; Epidermolysis bullosa simplex with muscular dystrophy. Identifiers: Orphanet 257, MedGen C2931072, MONDO:0009181, OMIM 226670.
Epidermolysis bullosa simplex, Ogna type (EBS5A). Also called: Pidermolysis bullosa simplex 5A, Ogna type; EPIDERMOLYSIS BULLOSA SIMPLEX 5A, OGNA TYPE. Identifiers: Orphanet 79401, MedGen C0432317, MONDO:0007555, OMIM 131950.

Allele frequency attached by ClinVar (database versions not stated): gnomAD 0.00005 and 0.00007; gnomAD exomes 0.00005 and 0.00009; TOPMed 0.00005; ExAC 0.00015; 1000 Genomes Project 30x 0.00016; ESP Exome Variant Server 0.00027.
gnomAD v4.1: 81 of 1,560,856 alleles (0.0052%); highest among the groups gnomAD compares: South Asian, 0.033%; no homozygotes.

Submissions (3):

Labcorp Genetics (formerly Invitae), Labcorp
Classification: Likely benign for Autosomal recessive limb-girdle muscular dystrophy type 2Q; Epidermolysis bullosa simplex, Ogna type; Epidermolysis bullosa simplex with nail dystrophy; Epidermolysis bullosa simplex 5C, with pyloric atresia; Epidermolysis bullosa simplex 5B, with muscular dystrophy. Last evaluated: 2025-04-11. Review status: criteria provided, single submitter. Criteria: Invitae Variant Classification Sherloc (09022015). Collection method: clinical testing. Allele origin: germline.

GeneDx
Classification: Likely benign. Last evaluated: 2016-02-17. Review status: criteria provided, single submitter. Criteria: GeneDx Variant Classification (06012015). Collection method: clinical testing. Allele origin: germline. Affected: yes.
Comment: This variant is considered likely benign or benign based on one or more of the following criteria: it is a conservative change, it occurs at a poorly conserved position in the protein, it is predicted to be benign by multiple in silico algorithms, and/or has population frequency not consistent with disease.

Eurofins Ntd Llc (ga)
Classification: Uncertain significance. Last evaluated: 2015-08-27. Review status: criteria provided, single submitter. Criteria: EGL Classification Definitions 2015. Collection method: clinical testing. Allele origin: germline. Observed: 2 variant alleles, 2 heterozygotes.

NM_201384.3(PLEC):c.6168C>T (p.Phe2056=)

Gene: PLEC (plectin; minus strand). Cytogenetic location: 8q24.3.
Variant type: single nucleotide variant.
Coding change: c.6168C>T on transcript NM_201384.3 (MANE Select); coding-DNA position 6168, C replaced by T.
Protein change: p.Phe2056=; no amino-acid change (phenylalanine 2056 retained).
Molecular consequence: synonymous variant.
Genome position (GRCh38, 1-based): chr8:143,923,761, G>A on the plus strand (C>T on the coding strand, the complement: PLEC is on the minus strand). VCF-style: chr8-143923761-G-A. GRCh37 (hg19) VCF-style: chr8-144997929-G-A.
Other names: c.6249C>T, p.Phe2083= (NM_000445.5); c.6126C>T, p.Phe2042= (NM_201378.4); c.6102C>T, p.Phe2034= (NM_201379.3); c.6579C>T, p.Phe2193= (NM_201380.4); c.6072C>T, p.Phe2024= (NM_201381.3); c.6168C>T, p.Phe2056= (NM_201382.4); c.6180C>T, p.Phe2060= (NM_201383.3).
Identifiers: ClinVar variation 282898 (VCV000282898.13), dbSNP rs370313601, ClinGen allele CA4926090.
Genomic context (GRCh38, chr8:143,923,761, plus strand): 5'-CAGCACGCTCTGCTCCTGCTGCAGCGTCTGCTGTAGCTCCTGCTCCTTCTGCTGCACCGC[G>A]AAGGCGTGTGCCTTCTCTTCCGCCTGCAGCCGCTTCTGGGCGGCCTCCTGGGCCAGCTGC-3'
Protein context (NP_958786.1, residues 2046-2066): RLQAEEKAHA[Phe2056=]AVQQKEQELQ